The following is an entry in ClinVar:

ClinVar aggregate classification (germline): Pathogenic (1 of 4 stars; one submission).

Submission:

Labcorp Genetics (formerly Invitae), Labcorp
Classification: Pathogenic. Last evaluated: 2020-10-07. Review status: criteria provided, single submitter. Criteria: Invitae Variant Classification Sherloc (09022015). Collection method: clinical testing. Allele origin: germline.
Comment: This nonsense change has been observed in individual(s) with Usher syndrome (PMID: 25333064). For these reasons, this variant has been classified as Pathogenic. Loss-of-function variants in USH2A are known to be pathogenic (PMID: 10729113, 10909849, 20507924, 25649381). This variant is not present in population databases (ExAC no frequency). This sequence change creates a premature translational stop signal (p.Trp3702*) in the USH2A gene. It is expected to result in an absent or disrupted protein product.

Literature cited by the submitters: PubMed 25333064; PubMed 10729113; PubMed 10909849; PubMed 20507924; PubMed 25649381.

NM_206933.4(USH2A):c.11106G>A (p.Trp3702Ter)

Gene: USH2A (usherin; minus strand). Cytogenetic location: 1q41.
Variant type: single nucleotide variant.
Coding change: c.11106G>A on transcript NM_206933.4 (MANE Select); coding-DNA position 11106, G replaced by A.
Protein change: p.Trp3702Ter; replaces tryptophan 3702 with a stop codon.
Molecular consequence: nonsense.
Genome position (GRCh38, 1-based): chr1:215,759,785, C>T on the plus strand (G>A on the coding strand, the complement: USH2A is on the minus strand). VCF-style: chr1-215759785-C-T. GRCh37 (hg19) VCF-style: chr1-215933127-C-T.
Other names: short protein forms W3702*.
Identifiers: ClinVar variation 1075059 (VCV001075059.9), dbSNP rs2102742278, ClinGen allele CA344823077.